The following is an entry in ClinVar:

ClinVar aggregate classification (germline): Uncertain significance (1 of 4 stars; one submission).

Allele frequency attached by ClinVar (database versions not stated): ExAC 0.00013; ESP Exome Variant Server 0.00027; gnomAD 0.00158.

Submission:

Labcorp Genetics (formerly Invitae), Labcorp
Classification: Uncertain significance. Last evaluated: 2022-02-18. Review status: criteria provided, single submitter. Criteria: Invitae Variant Classification Sherloc (09022015). Collection method: clinical testing. Allele origin: germline.
Comment: This sequence change replaces alanine, which is neutral and non-polar, with threonine, which is neutral and polar, at codon 528 of the ANTXR1 protein (p.Ala528Thr). The frequency data for this variant in the population databases is considered unreliable, as metrics indicate poor data quality at this position in the gnomAD database. This variant has not been reported in the literature in individuals affected with ANTXR1-related conditions. Algorithms developed to predict the effect of missense changes on protein structure and function output the following: SIFT: "Deleterious"; PolyPhen-2: "Not Available"; Align-GVGD: "Class C0". The threonine amino acid residue is found in multiple mammalian species, which suggests that this missense change does not adversely affect protein function. In summary, the available evidence is currently insufficient to determine the role of this variant in disease. Therefore, it has been classified as a Variant of Uncertain Significance.

NM_032208.3(ANTXR1):c.1582G>A (p.Ala528Thr)

Gene: ANTXR1 (ANTXR cell adhesion molecule 1; plus strand). Cytogenetic location: 2p13.3.
Variant type: single nucleotide variant.
Coding change: c.1582G>A on transcript NM_032208.3 (MANE Select); coding-DNA position 1582, G replaced by A.
Protein change: p.Ala528Thr; replaces alanine 528 with threonine.
Molecular consequence: missense variant.
Genome position (GRCh38, 1-based): chr2:69,245,372, G>A. VCF-style: chr2-69245372-G-A. GRCh37 (hg19) VCF-style: chr2-69472504-G-A.
Other names: short protein forms A528T.
Identifiers: ClinVar variation 2067932 (VCV002067932.1), dbSNP rs371540711, ClinGen allele CA1693447.
Genomic context (GRCh38, chr2:69,245,372, plus strand): 5'-CCTGCCCCCATCTACACTCCCCCACCTCCTGCGCCCCACTGCCCTCCCCCGCCCCCCAGC[G>A]CCCCTACCCCTCCCATCCCGTCCCCACCTTCCACCCTTCCCCCTCCTCCCCAGGCTCCAC-3'
Protein context (NP_115584.1, residues 518-538): APHCPPPPPS[Ala528Thr]PTPPIPSPPS